The following is an entry in ClinVar:

ClinVar aggregate classification (germline): Uncertain significance (1 of 4 stars; one submission).

Submission:

Labcorp Genetics (formerly Invitae), Labcorp
Classification: Uncertain significance. Last evaluated: 2024-09-18. Review status: criteria provided, single submitter. Criteria: Invitae Variant Classification Sherloc (09022015). Collection method: clinical testing. Allele origin: germline.
Comment: This sequence change replaces alanine, which is neutral and non-polar, with aspartic acid, which is acidic and polar, at codon 298 of the SLC12A3 protein (p.Ala298Asp). This variant is not present in population databases (gnomAD no frequency). This variant has not been reported in the literature in individuals affected with SLC12A3-related conditions. Invitae Evidence Modeling of protein sequence and biophysical properties (such as structural, functional, and spatial information, amino acid conservation, physicochemical variation, residue mobility, and thermodynamic stability) indicates that this missense variant is expected to disrupt SLC12A3 protein function with a positive predictive value of 95%. In summary, the available evidence is currently insufficient to determine the role of this variant in disease. Therefore, it has been classified as a Variant of Uncertain Significance.

NM_001126108.2(SLC12A3):c.893C>A (p.Ala298Asp)

Gene: SLC12A3 (solute carrier family 12 member 3; plus strand). Cytogenetic location: 16q13.
Variant type: single nucleotide variant.
Coding change: c.893C>A on transcript NM_001126108.2 (MANE Select); coding-DNA position 893, C replaced by A.
Protein change: p.Ala298Asp; replaces alanine 298 with aspartic acid.
Molecular consequence: missense variant.
Genome position (GRCh38, 1-based): chr16:56,872,391, C>A. VCF-style: chr16-56872391-C-A. GRCh37 (hg19) VCF-style: chr16-56906303-C-A.
Other names: c.893C>A, p.Ala298Asp (NM_000339.3); c.890C>A, p.Ala297Asp (NM_001126107.2, NM_001410896.1); short protein forms A297D, A298D.
Identifiers: ClinVar variation 3676119 (VCV003676119.2).